The following is an entry in ClinVar:

NM_002661.5(PLCG2):c.2917G>A (p.Asp973Asn)

Gene: PLCG2 (phospholipase C gamma 2; plus strand). Cytogenetic location: 16q23.3.
Variant type: single nucleotide variant.
Coding change: c.2917G>A on transcript NM_002661.5 (MANE Select); coding-DNA position 2917, G replaced by A.
Protein change: p.Asp973Asn; replaces aspartic acid 973 with asparagine.
Molecular consequence: missense variant.
Genome position (GRCh38, 1-based): chr16:81,936,243, G>A. VCF-style: chr16-81936243-G-A. GRCh37 (hg19) VCF-style: chr16-81969848-G-A.
Other names: c.2917G>A, p.Asp973Asn (NM_001425749.1, NM_001425750.1, NM_001425751.1); short protein forms D973N.
Identifiers: ClinVar variation 2902011 (VCV002902011.3), dbSNP rs568724894, ClinGen allele CA8194479.

ClinVar aggregate classification (germline): Uncertain significance (1 of 4 stars; one submission).

Conditions:
Familial cold autoinflammatory syndrome 3 (FCAS3). Also called: FAMILIAL ATYPICAL COLD URTICARIA; ANTIBODY DEFICIENCY AND IMMUNE DYSREGULATION, PLCG2-ASSOCIATED. Identifiers: Orphanet 300359, MedGen C3280914, MONDO:0013766, OMIM 614468.

Allele frequency attached by ClinVar (database versions not stated): ExAC 0.00001.
gnomAD v4.1: 17 of 1,613,960 alleles (0.0011%); highest among the groups gnomAD compares: Non-Finnish European, 0.0014%; no homozygotes.

Submission:

Labcorp Genetics (formerly Invitae), Labcorp
Classification: Uncertain significance for Familial cold autoinflammatory syndrome 3. Last evaluated: 2025-10-16. Review status: criteria provided, single submitter. Criteria: Invitae Variant Classification Sherloc (09022015). Collection method: clinical testing. Allele origin: germline.
Comment: This sequence change replaces aspartic acid, which is acidic and polar, with asparagine, which is neutral and polar, at codon 973 of the PLCG2 protein (p.Asp973Asn). This variant is present in population databases (rs568724894, gnomAD 0.003%). This variant has not been reported in the literature in individuals affected with PLCG2-related conditions. ClinVar contains an entry for this variant (Variation ID: 2902011). An algorithm developed to predict the effect of missense changes on protein structure and function (PolyPhen-2) suggests that this variant is likely to be tolerated. In summary, the available evidence is currently insufficient to determine the role of this variant in disease. Therefore, it has been classified as a Variant of Uncertain Significance.